The following is an entry in ClinVar:

ClinVar aggregate classification (germline): Uncertain significance (1 of 4 stars; one submission).

Submission:

Labcorp Genetics (formerly Invitae), Labcorp
Classification: Uncertain significance. Last evaluated: 2022-04-18. Review status: criteria provided, single submitter. Criteria: Invitae Variant Classification Sherloc (09022015). Collection method: clinical testing. Allele origin: germline.
Comment: This variant has not been reported in the literature in individuals affected with NDUFV1-related conditions. In summary, the available evidence is currently insufficient to determine the role of this variant in disease. Therefore, it has been classified as a Variant of Uncertain Significance. Advanced modeling of protein sequence and biophysical properties (such as structural, functional, and spatial information, amino acid conservation, physicochemical variation, residue mobility, and thermodynamic stability) performed at Invitae indicates that this missense variant is not expected to disrupt NDUFV1 protein function. This variant is not present in population databases (gnomAD no frequency). This sequence change replaces valine, which is neutral and non-polar, with leucine, which is neutral and non-polar, at codon 144 of the NDUFV1 protein (p.Val144Leu).

NM_007103.4(NDUFV1):c.430G>C (p.Val144Leu)

Gene: NDUFV1 (NADH:ubiquinone oxidoreductase core subunit V1; plus strand). Cytogenetic location: 11q13.2.
Variant type: single nucleotide variant.
Coding change: c.430G>C on transcript NM_007103.4 (MANE Select); coding-DNA position 430, G replaced by C.
Protein change: p.Val144Leu; replaces valine 144 with leucine.
Molecular consequence: missense variant.
Genome position (GRCh38, 1-based): chr11:67,609,555, G>C. VCF-style: chr11-67609555-G-C. GRCh37 (hg19) VCF-style: chr11-67377026-G-C.
Other names: c.403G>C, p.Val135Leu (NM_001166102.2); short protein forms V135L, V144L.
Identifiers: ClinVar variation 2126652 (VCV002126652.4), dbSNP rs2495718291, ClinGen allele CA381535795.